The following is an entry in ClinVar:

ClinVar aggregate classification (germline): Conflicting classifications of pathogenicity. Review status: criteria provided, conflicting classifications (1 of 4 stars). 3 submissions from 3 submitters: Uncertain significance (2); Likely benign (1). Last evaluated 2026-07-02.

Conditions:
Hereditary breast ovarian cancer syndrome. Also called: Hereditary breast and ovarian cancer; Hereditary breast and/or ovarian cancer syndrome; Breast and ovarian cancer; Hereditary breast and ovarian cancer syndrome; Hereditary breast and ovarian cancer syndrome (HBOC); BRCA1- and BRCA2-Associated Hereditary Breast and Ovarian Cancer. Identifiers: Orphanet 145, MedGen C0677776, MeSH D061325, MONDO:0003582. Disease mechanism: loss of function.
Hereditary cancer-predisposing syndrome. Also called: Tumor predisposition; Hereditary Cancer Syndrome; Hereditary neoplastic syndrome; Neoplastic Syndromes, Hereditary. Identifiers: Orphanet 140162, MedGen C0027672, MeSH D009386, MONDO:0015356.

Submissions (3):

Ambry Genetics
Classification: Uncertain significance for Hereditary cancer-predisposing syndrome. Last evaluated: 2026-07-02. Review status: criteria provided, single submitter. Criteria: Ambry Variant Classification Scheme 2023. Collection method: clinical testing. Allele origin: germline.
Comment: The p.A766V variant (also known as c.2297C>T), located in coding exon 10 of the BRCA2 gene, results from a C to T substitution at nucleotide position 2297. The alanine at codon 766 is replaced by valine, an amino acid with similar properties. This amino acid position is conserved. In addition, this alteration is predicted to be tolerated by in silico analysis. Based on the available evidence, the clinical significance of this variant remains unclear.

Labcorp Genetics (formerly Invitae), Labcorp
Classification: Uncertain significance for Hereditary breast ovarian cancer syndrome. Last evaluated: 2026-01-31. Review status: criteria provided, single submitter. Criteria: Invitae Variant Classification Sherloc (09022015). Collection method: clinical testing. Allele origin: germline.
Comment: This sequence change replaces alanine, which is neutral and non-polar, with valine, which is neutral and non-polar, at codon 766 of the BRCA2 protein (p.Ala766Val). This variant is not present in population databases (gnomAD no frequency). This variant has not been reported in the literature in individuals affected with BRCA2-related conditions. ClinVar contains an entry for this variant (Variation ID: 2124012). Invitae Evidence Modeling of protein sequence and biophysical properties (such as structural, functional, and spatial information, amino acid conservation, physicochemical variation, residue mobility, and thermodynamic stability) indicates that this missense variant is not expected to disrupt BRCA2 protein function with a negative predictive value of 95%. In summary, the available evidence is currently insufficient to determine the role of this variant in disease. Therefore, it has been classified as a Variant of Uncertain Significance.

University of Washington Department of Laboratory Medicine, University of Washington
Classification: Likely benign for Hereditary cancer-predisposing syndrome. Last evaluated: 2023-03-23. Review status: criteria provided, single submitter. Criteria: Dines et al. (Genet Med. 2020). Collection method: curation. Allele origin: germline.
Comment: Missense variant in a coldspot region where missense variants are very unlikely to be pathogenic (PMID:31911673).

BRCA2 exon 11 coldspot. Reclassification based on statistical prior probability.

NM_000059.4(BRCA2):c.2297C>T (p.Ala766Val)

Gene: BRCA2 (BRCA2 DNA repair associated; plus strand). Cytogenetic location: 13q13.1.
Variant type: single nucleotide variant.
Coding change: c.2297C>T on transcript NM_000059.4 (MANE Select); coding-DNA position 2297, C replaced by T.
Protein change: p.Ala766Val; replaces alanine 766 with valine.
Molecular consequence: missense variant.
Genome position (GRCh38, 1-based): chr13:32,336,652, C>T. VCF-style: chr13-32336652-C-T. GRCh37 (hg19) VCF-style: chr13-32910789-C-T.
Other names: c.2297C>T, p.Ala766Val (NM_001406719.1, NM_001406720.1); short protein forms A766V.
Identifiers: ClinVar variation 2124012 (VCV002124012.7), dbSNP rs2072454625, ClinGen allele CA387771274.